The following is an entry in ClinVar:

NM_003119.4(SPG7):c.1192C>T (p.Arg398Ter)

Gene: SPG7 (SPG7 matrix AAA peptidase subunit, paraplegin; plus strand). Cytogenetic location: 16q24.3.
Variant type: single nucleotide variant.
Coding change: c.1192C>T on transcript NM_003119.4 (MANE Select); coding-DNA position 1192, C replaced by T.
Protein change: p.Arg398Ter; replaces arginine 398 with a stop codon.
Molecular consequence: nonsense.
Genome position (GRCh38, 1-based): chr16:89,532,504, C>T. VCF-style: chr16-89532504-C-T. GRCh37 (hg19) VCF-style: chr16-89598912-C-T.
Other names: c.1192C>T, p.Arg398Ter (NM_001363850.1, NM_199367.3); short protein forms R398*.
Identifiers: ClinVar variation 545964 (VCV000545964.42), dbSNP rs1373388852, ClinGen allele CA397420759.

ClinVar aggregate classification (germline): Pathogenic. Review status: criteria provided, multiple submitters, no conflicts (2 of 4 stars). 7 submissions from 7 submitters: Pathogenic (5). 2 of the submissions do not count toward it. Last evaluated 2025-11-16.

Conditions:
SPG7-related disorder. Also called: SPG7-related condition.
Hereditary spastic paraplegia 7 (SPG7). Also called: Spastic paraplegia 7; Hereditary spastic paraplegia Paraplegin type; Autosomal recessive spastic paraplegia type 7; SPG7-related neurologic disorder; SPASTIC PARAPLEGIA 7, AUTOSOMAL RECESSIVE, WITH OR WITHOUT CEREBELLAR ATAXIA. Identifiers: Orphanet 99013, MedGen C1846564, MONDO:0011803, OMIM 607259.

Allele frequency attached by ClinVar (database versions not stated): TOPMed below 0.00001; gnomAD exomes 0.00002.
gnomAD v4.1: 54 of 1,613,578 alleles (0.0033%); highest among the groups gnomAD compares: East Asian, 0.0089%; no homozygotes.

Submissions (7):

Labcorp Genetics (formerly Invitae), Labcorp
Classification: Pathogenic for Hereditary spastic paraplegia 7. Last evaluated: 2025-11-16. Review status: criteria provided, single submitter. Criteria: Invitae Variant Classification Sherloc (09022015). Collection method: clinical testing. Allele origin: germline.
Comment: This sequence change creates a premature translational stop signal (p.Arg398*) in the SPG7 gene. It is expected to result in an absent or disrupted protein product. Loss-of-function variants in SPG7 are known to be pathogenic (PMID: 21623769, 22964162). This variant is present in population databases (no rsID available, gnomAD 0.006%). This premature translational stop signal has been observed in individual(s) with hereditary spastic paraplegia (PMID: 21623769, 25681447). In at least one individual the data is consistent with being in trans (on the opposite chromosome) from a pathogenic variant. It has also been observed to segregate with disease in related individuals. ClinVar contains an entry for this variant (Variation ID: 545964). For these reasons, this variant has been classified as Pathogenic.

Blueprint Genetics
Classification: Pathogenic for SPG7-related disorders. Last evaluated: 2024-06-07. Review status: criteria provided, single submitter. Criteria: ACMG Guidelines, 2015. Collection method: clinical testing. Allele origin: germline. Affected: yes. Observed: 2 variant alleles.

PROSPAX: an integrated multimodal progression  chart in spastic ataxias, Center for Neurology; Hertie-Institute for Clinical Brain Research
Classification: Pathogenic for Hereditary spastic paraplegia 7. Last evaluated: 2022-01-01. Review status: criteria provided, single submitter. Criteria: ACMG Guidelines, 2015. Collection method: research. Allele origin: germline. Affected: yes.
Comment: Variant seen in compound het: [c.1192C>T;c.1529C>T],[c.1049_1077del;c.1192C>T]

CeGaT Center for Human Genetics Tuebingen
Classification: Pathogenic. Last evaluated: 2020-09-01. Review status: criteria provided, single submitter. Criteria: CeGaT Center For Human Genetics Tuebingen Variant Classification Criteria Version 2. Collection method: clinical testing. Allele origin: germline. Affected: yes. Observed: 1 variant allele.

GeneDx
Classification: Pathogenic. Last evaluated: 2018-05-17. Review status: criteria provided, single submitter. Criteria: GeneDx Variant Classification (06012015). Collection method: clinical testing. Allele origin: germline. Affected: yes.
Comment: The R398X nonsense variant in the SPG7 gene has been reported previously in association with spastic paraplegia type 7 when present in the homozygous state or in trans with another disease-causing variant (Pfeffer et al., 2015; Yahikozawa et al., 2015; Schlipf et al., 2011). This pathogenic variant is predicted to cause loss of normal protein function either through protein truncation or nonsense-mediated mRNA decay. The R398X variant is observed in 1/7200 (0.006%) alleles from individuals of East Asian background in large population cohorts (Lek et al., 2016). We interpret R398X as a pathogenic variant.

Solve-RD Consortium
Classification: Likely pathogenic for Hereditary spastic paraplegia 7. Last evaluated: 2022-06-01. Review status: no assertion criteria provided. Collection method: provider interpretation. Allele origin: inherited. Affected: yes. Not counted in ClinVar's aggregate classification.
Comment: Variant confirmed as disease-causing by referring clinical team

Variant identified during reanalysis of unsolved cases by the Solve-RD project. The Solve-RD project has received funding from the European Union’s Horizon 2020 research and innovation programme under grant agreement No 779257.

GeneReviews
No classification provided. Condition: Hereditary spastic paraplegia 7. Review status: no classification provided. Collection method: literature only. Allele origin: germline. Not counted in ClinVar's aggregate classification.

Literature cited by the submitters: PubMed 21623769 (cited by Labcorp Genetics (formerly Invitae), Labcorp); PubMed 22964162 (cited by Labcorp Genetics (formerly Invitae), Labcorp); PubMed 25681447 (cited by Labcorp Genetics (formerly Invitae), Labcorp); PubMed 39825153 (cited by Solve-RD Consortium).